The following is an entry in ClinVar:

NM_057175.5(NAA15):c.711A>G (p.Leu237=)

Gene: NAA15 (N-alpha-acetyltransferase 15, NatA auxiliary subunit; plus strand). Cytogenetic location: 4q31.1.
Variant type: single nucleotide variant.
Coding change: c.711A>G on transcript NM_057175.5 (MANE Select); coding-DNA position 711, A replaced by G.
Protein change: p.Leu237=; no amino-acid change (leucine 237 retained).
Molecular consequence: synonymous variant.
Genome position (GRCh38, 1-based): chr4:139,349,481, A>G. VCF-style: chr4-139349481-A-G. GRCh37 (hg19) VCF-style: chr4-140270635-A-G.
Identifiers: ClinVar variation 776020 (VCV000776020.13), dbSNP rs34054452, ClinGen allele CA3083457.

ClinVar aggregate classification (germline): Benign. Review status: criteria provided, multiple submitters, no conflicts (2 of 4 stars). 3 submissions from 3 submitters: Benign (2). 1 of the submissions does not count toward it. Last evaluated 2026-01-19.

Conditions:
NAA15-related disorder.

Allele frequency attached by ClinVar (database versions not stated): gnomAD exomes 0.00075 and 0.00210; ExAC 0.00310; gnomAD 0.00767 and 0.00815; ESP Exome Variant Server 0.00792; TOPMed 0.00887; 1000 Genomes Project 0.00998; 1000 Genomes Project 30x 0.00999.
gnomAD v4.1: 2,299 of 1,599,964 alleles (0.14%); highest among the groups gnomAD compares: African/African-American, 2.7%; 31 homozygotes.

Submissions (3):

Labcorp Genetics (formerly Invitae), Labcorp
Classification: Benign. Last evaluated: 2026-01-19. Review status: criteria provided, single submitter. Criteria: Invitae Variant Classification Sherloc (09022015). Collection method: clinical testing. Allele origin: germline.

Breakthrough Genomics
Classification: Benign. Review status: criteria provided, single submitter. Criteria: ACMG Guidelines, 2015. Collection method: not provided. Allele origin: germline. Inheritance: Autosomal dominant inheritance. Affected: yes.

PreventionGenetics, part of Exact Sciences
Classification: Benign for NAA15-related condition. Last evaluated: 2021-06-10. Review status: no assertion criteria provided. Collection method: clinical testing. Allele origin: germline. Not counted in ClinVar's aggregate classification.
Comment: This variant is classified as benign based on ACMG/AMP sequence variant interpretation guidelines (Richards et al. 2015 PMID: 25741868, with internal and published modifications).